The following is an entry in ClinVar:

ClinVar aggregate classification (germline): Pathogenic (1 of 4 stars; one submission).

Submission:

Labcorp Genetics (formerly Invitae), Labcorp
Classification: Pathogenic. Last evaluated: 2023-01-17. Review status: criteria provided, single submitter. Criteria: Invitae Variant Classification Sherloc (09022015). Collection method: clinical testing. Allele origin: germline.
Comment: For these reasons, this variant has been classified as Pathogenic. Algorithms developed to predict the effect of sequence changes on RNA splicing suggest that this variant may disrupt the consensus splice site. This variant has not been reported in the literature in individuals affected with UNC80-related conditions. This variant is not present in population databases (gnomAD no frequency). This sequence change creates a premature translational stop signal (p.Glu410Glyfs*5) in the UNC80 gene. It is expected to result in an absent or disrupted protein product. Loss-of-function variants in UNC80 are known to be pathogenic (PMID: 26545877, 26708751, 26708753).

Literature cited by the submitters: PubMed 26545877; PubMed 26708751; PubMed 26708753.

NM_001371986.1(UNC80):c.1228dup (p.Glu410fs)

Gene: UNC80 (unc-80 subunit of NALCN channel complex; plus strand). Cytogenetic location: 2q34.
Variant type: Duplication.
Coding change: c.1228dup on transcript NM_001371986.1 (MANE Select); coding-DNA position 1228, one base duplicated (G; older notation c.1228dupG).
Protein change: p.Glu410fs; shifts the reading frame from glutamic acid 410.
Molecular consequence: frameshift variant.
Genome position (GRCh38, 1-based): chr2:209,815,284, G duplicated; the last of 2 consecutive G bases (chr2:209,815,283-209,815,284); duplicating either gives the same sequence. VCF-style (leftmost placement, unchanged base first): chr2-209815282-A-AG. GRCh37 (hg19) VCF-style: chr2-210680006-A-AG.
Other names: c.1228dup, p.Glu410fs (NM_032504.2, NM_182587.4); short protein forms E410fs.
Identifiers: ClinVar variation 2829215 (VCV002829215.3), dbSNP rs2470960967, ClinGen allele CA2662899108.